The following is an entry in ClinVar:

NM_005101.4(ISG15):c.131G>A (p.Arg44His)

Gene: ISG15 (ISG15 ubiquitin like modifier; plus strand). Cytogenetic location: 1p36.33.
Variant type: single nucleotide variant.
Coding change: c.131G>A on transcript NM_005101.4 (MANE Select); coding-DNA position 131, G replaced by A.
Protein change: p.Arg44His; replaces arginine 44 with histidine.
Molecular consequence: missense variant.
Genome position (GRCh38, 1-based): chr1:1,014,111, G>A. VCF-style: chr1-1014111-G-A. GRCh37 (hg19) VCF-style: chr1-949491-G-A.
Other names: c.131G>A, p.Arg44His (LRG_1231t1); short protein forms R44H.
Identifiers: ClinVar variation 659187 (VCV000659187.9), dbSNP rs148041041, ClinGen allele CA507625.

ClinVar aggregate classification (germline): Uncertain significance. Review status: criteria provided, multiple submitters, no conflicts (2 of 4 stars). 3 submissions from 3 submitters: Uncertain significance (3). Last evaluated 2024-11-21.

Conditions:
Mendelian susceptibility to mycobacterial diseases due to complete ISG15 deficiency. Also called: IMMUNODEFICIENCY 38, MYCOBACTERIOSIS, AUTOSOMAL RECESSIVE; ISG15 DEFICIENCY, AUTOSOMAL RECESSIVE; Immunodeficiency 38 with basal ganglia calcification; Immunodeficiency 38. Identifiers: Orphanet 319563, MedGen C4015293, MONDO:0014502, OMIM 616126.

Allele frequency attached by ClinVar (database versions not stated): gnomAD exomes 0.00003 and 0.00010; 1000 Genomes Project 30x 0.00016; ExAC 0.00017; 1000 Genomes Project 0.00020; gnomAD 0.00025 and 0.00026; TOPMed 0.00028; ESP Exome Variant Server 0.00069.
gnomAD v4.1: 102 of 1,613,292 alleles (0.0063%); highest among the groups gnomAD compares: African/African-American, 0.076%; no homozygotes.

Submissions (3):

Blueprint Genetics
Classification: Uncertain significance. Last evaluated: 2024-11-21. Review status: criteria provided, single submitter. Criteria: ACMG Guidelines, 2015. Collection method: clinical testing. Allele origin: germline.

Labcorp Genetics (formerly Invitae), Labcorp
Classification: Uncertain significance for Mendelian susceptibility to mycobacterial diseases due to complete ISG15 deficiency. Last evaluated: 2024-11-19. Review status: criteria provided, single submitter. Criteria: Invitae Variant Classification Sherloc (09022015). Collection method: clinical testing. Allele origin: germline.
Comment: This sequence change replaces arginine, which is basic and polar, with histidine, which is basic and polar, at codon 44 of the ISG15 protein (p.Arg44His). This variant is present in population databases (rs148041041, gnomAD 0.1%). This variant has not been reported in the literature in individuals affected with ISG15-related conditions. ClinVar contains an entry for this variant (Variation ID: 659187). An algorithm developed to predict the effect of missense changes on protein structure and function outputs the following: PolyPhen-2: "Benign". The histidine amino acid residue is found in multiple mammalian species, which suggests that this missense change does not adversely affect protein function. In summary, the available evidence is currently insufficient to determine the role of this variant in disease. Therefore, it has been classified as a Variant of Uncertain Significance.

Baylor Genetics
Classification: Uncertain significance for Mendelian susceptibility to mycobacterial diseases due to complete ISG15 deficiency. Last evaluated: 2018-10-17. Review status: criteria provided, single submitter. Criteria: ACMG Guidelines, 2015. Collection method: clinical testing. Allele origin: paternal. Affected: yes.
Comment: This variant was determined to be of uncertain significance according to ACMG Guidelines, 2015 [PMID:25741868].